The following is an entry in ClinVar:

NM_014780.5(CUL7):c.547C>T (p.Arg183Trp)

Gene: CUL7 (cullin 7; minus strand). Cytogenetic location: 6p21.1.
Variant type: single nucleotide variant.
Coding change: c.547C>T on transcript NM_014780.5 (MANE Select); coding-DNA position 547, C replaced by T.
Protein change: p.Arg183Trp; replaces arginine 183 with tryptophan.
Molecular consequence: missense variant.
Genome position (GRCh38, 1-based): chr6:43,052,242, G>A on the plus strand (C>T on the coding strand, the complement: CUL7 is on the minus strand). VCF-style: chr6-43052242-G-A. GRCh37 (hg19) VCF-style: chr6-43019980-G-A.
Other names: c.547C>T, p.Arg183Trp (NM_001168370.2, NM_001374872.1, NM_001374873.1 and 1 more transcripts); short protein forms R183W.
Identifiers: ClinVar variation 1443500 (VCV001443500.4), dbSNP rs754739961, ClinGen allele CA3814374.
Genomic context (GRCh38, chr6:43,052,242, plus strand): 5'-TCCCTTCCTCCCCACACTGCCCCTCACCAGCGTCATGGGAGGACAGGGCTTGTATCATCC[G>A]GCCTGCACTCCAGCGAATCTGATAATCAGGACTACTCAACATGTGCATGAGCAAGTCCAG-3'
Protein context (NP_055595.2, residues 173-193): PDYQIRWSAG[Arg183Trp]MIQALSSHDA

ClinVar aggregate classification (germline): Uncertain significance (1 of 4 stars; one submission).

gnomAD v4.1: 31 of 1,614,056 alleles (0.0019%); highest among the groups gnomAD compares: South Asian, 0.018%; no homozygotes.

Submission:

Labcorp Genetics (formerly Invitae), Labcorp
Classification: Uncertain significance. Last evaluated: 2022-05-27. Review status: criteria provided, single submitter. Criteria: Invitae Variant Classification Sherloc (09022015). Collection method: clinical testing. Allele origin: germline.
Comment: In summary, the available evidence is currently insufficient to determine the role of this variant in disease. Therefore, it has been classified as a Variant of Uncertain Significance. Algorithms developed to predict the effect of missense changes on protein structure and function are either unavailable or do not agree on the potential impact of this missense change (SIFT: "Deleterious"; PolyPhen-2: "Probably Damaging"; Align-GVGD: "Class C0"). This variant is present in population databases (rs754739961, gnomAD 0.003%). This variant has not been reported in the literature in individuals affected with CUL7-related conditions. This sequence change replaces arginine, which is basic and polar, with tryptophan, which is neutral and slightly polar, at codon 183 of the CUL7 protein (p.Arg183Trp).